The following is an entry in ClinVar:

ClinVar aggregate classification (germline): Conflicting classifications of pathogenicity. Review status: criteria provided, conflicting classifications (1 of 4 stars). 2 submissions from 2 submitters: Uncertain significance (1); Likely benign (1). Last evaluated 2024-07-26.

Conditions:
DICER1-related tumor predisposition. Also called: DICER1-related pleuropulmonary blastoma cancer predisposition syndrome; DICER1 syndrome. Identifiers: Orphanet 284343, MedGen C3839822, MONDO:0100216.
Hereditary cancer-predisposing syndrome. Also called: Tumor predisposition; Neoplastic Syndromes, Hereditary; Hereditary Cancer Syndrome; Hereditary neoplastic syndrome. Identifiers: Orphanet 140162, MedGen C0027672, MeSH D009386, MONDO:0015356.

Submissions (2):

Ambry Genetics
Classification: Likely benign for Hereditary cancer-predisposing syndrome. Last evaluated: 2024-07-26. Review status: criteria provided, single submitter. Criteria: Ambry Variant Classification Scheme 2023. Collection method: clinical testing. Allele origin: germline.

Labcorp Genetics (formerly Invitae), Labcorp
Classification: Uncertain significance for DICER1-related tumor predisposition. Last evaluated: 2022-12-27. Review status: criteria provided, single submitter. Criteria: Invitae Variant Classification Sherloc (09022015). Collection method: clinical testing. Allele origin: germline.
Comment: This variant is not present in population databases (gnomAD no frequency). In summary, the available evidence is currently insufficient to determine the role of this variant in disease. Therefore, it has been classified as a Variant of Uncertain Significance. Advanced modeling of protein sequence and biophysical properties (such as structural, functional, and spatial information, amino acid conservation, physicochemical variation, residue mobility, and thermodynamic stability) performed at Invitae indicates that this missense variant is not expected to disrupt DICER1 protein function. ClinVar contains an entry for this variant (Variation ID: 477025). This variant has not been reported in the literature in individuals affected with DICER1-related conditions. This sequence change replaces threonine, which is neutral and polar, with alanine, which is neutral and non-polar, at codon 348 of the DICER1 protein (p.Thr348Ala).

NM_177438.3(DICER1):c.1042A>G (p.Thr348Ala)

Gene: DICER1 (dicer 1, ribonuclease III; minus strand). Cytogenetic location: 14q32.13.
Variant type: single nucleotide variant.
Coding change: c.1042A>G on transcript NM_177438.3 (MANE Select); coding-DNA position 1042, A replaced by G.
Protein change: p.Thr348Ala; replaces threonine 348 with alanine.
Molecular consequence: missense variant.
Genome position (GRCh38, 1-based): chr14:95,124,530, T>C on the plus strand (A>G on the coding strand, the complement: DICER1 is on the minus strand). VCF-style: chr14-95124530-T-C. GRCh37 (hg19) VCF-style: chr14-95590867-T-C.
Other names: c.1042A>G, p.Thr348Ala (NM_001195573.1, NM_001271282.3, NM_001291628.2 and 1 more transcripts); short protein forms T348A.
Identifiers: ClinVar variation 477025 (VCV000477025.10), dbSNP rs1555374767, ClinGen allele CA390887088.